The following is an entry in ClinVar:

ClinVar aggregate classification (germline): Conflicting classifications of pathogenicity. Review status: criteria provided, conflicting classifications (1 of 4 stars). 2 submissions from 2 submitters: Likely pathogenic (1); Uncertain significance (1). Last evaluated 2026-02-18.

Conditions:
Nemaline myopathy 2 (NEM2). Also called: Nemaline myopathy 2, autosomal recessive. Identifiers: MedGen C1850569, MONDO:0009725, OMIM 256030.

Submissions (2):

Myriad Genetics, Inc.
Classification: Uncertain significance for Nemaline myopathy 2. Last evaluated: 2026-02-18. Review status: criteria provided, single submitter. Criteria: Myriad Autosomal Dominant, Autosomal Recessive and X-Linked Classification Criteria (2023). Collection method: clinical testing. Allele origin: unknown.
Comment: NM_001271208.1(NEB):c.22695+1G>T is a variant in a canonical splice site classified as a variant of uncertain significance in the context of NEB-related nemaline myopathy. c.22695+1G>T has not been observed in cases with relevant disease. Relevant functional assessments of this variant are not available in the literature. c.22695+1G>T has not been observed in referenced population frequency databases. In summary, there is insufficient evidence to classify NM_001271208.1(NEB):c.22695+1G>T as pathogenic or benign. Please note: this variant was assessed in the context of healthy population screening.

Labcorp Genetics (formerly Invitae), Labcorp
Classification: Likely pathogenic for Nemaline myopathy 2. Last evaluated: 2026-01-25. Review status: criteria provided, single submitter. Criteria: Invitae Variant Classification Sherloc (09022015). Collection method: clinical testing. Allele origin: germline.
Comment: This sequence change affects a donor splice site in intron 155 of the NEB gene. It is expected to disrupt RNA splicing. Variants that disrupt the donor or acceptor splice site typically lead to a loss of protein function (PMID: 16199547), and loss-of-function variants in NEB are known to be pathogenic (PMID: 25205138). This variant is not present in population databases (gnomAD no frequency). This variant has not been reported in the literature in individuals affected with NEB-related conditions. Algorithms developed to predict the effect of sequence changes on RNA splicing suggest that this variant may disrupt the consensus splice site. In summary, the currently available evidence indicates that the variant is pathogenic, but additional data are needed to prove that conclusively. Therefore, this variant has been classified as Likely Pathogenic.

Literature cited by the submitters: PubMed 16199547 (cited by Labcorp Genetics (formerly Invitae), Labcorp); PubMed 25205138 (cited by Labcorp Genetics (formerly Invitae), Labcorp).

NM_001164508.2(NEB):c.22590+1G>T

Genes: NEB (nebulin; minus strand), RIF1 (replication timing regulatory factor 1; plus strand). Cytogenetic location: 2q23.3.
Variant type: single nucleotide variant.
Coding change: c.22590+1G>T on transcript NM_001164508.2 (MANE Select); the canonical splice donor site of the intron after coding-DNA position 22590, G replaced by T.
Molecular consequence: splice donor variant.
Genome position (GRCh38, 1-based): chr2:151,519,657, C>A on the plus strand (G>T on the coding strand, the complement: NEB is on the minus strand). VCF-style: chr2-151519657-C-A. GRCh37 (hg19) VCF-style: chr2-152376171-C-A.
Other names: c.17487+1G>T (NM_004543.5); c.22590+1G>T (NM_001164507.2); c.22695+1G>T (NM_001271208.2).
Identifiers: ClinVar variation 4750645 (VCV004750645.2).